The following is an entry in ClinVar:

ClinVar aggregate classification (germline): Pathogenic. Review status: criteria provided, multiple submitters, no conflicts (2 of 4 stars). 2 submissions from 2 submitters: Pathogenic (2). Last evaluated 2026-02-26.

Conditions:
Palmoplantar keratoderma i, striate, focal, or diffuse. Also called: KERATOSIS PALMOPLANTARIS STRIATA I; Keratosis Palmoplantaris Striata I, AD; PALMOPLANTAR KERATODERMA I, STRIATE OR DIFFUSE; PALMOPLANTAR KERATODERMA I, FOCAL; KERATODERMA, PALMOPLANTAR, STRIATE FORM I; STRIATE PALMOPLANTAR KERATODERMA I. Identifiers: Orphanet 369999, Orphanet 370002, MedGen C2931122, MONDO:0007859, OMIM 148700.

gnomAD v4.1: 1 of 1,613,210 alleles (0.000062%); no homozygotes.

Submissions (2):

GeneDx
Classification: Pathogenic. Last evaluated: 2026-02-26. Review status: criteria provided, single submitter. Criteria: GeneDx Variant Classification Process June 2021. Collection method: clinical testing. Allele origin: germline.
Comment: Nonsense variant predicted to result in protein truncation or nonsense mediated decay in a gene for which loss of function is a known mechanism of disease; Not observed at significant frequency in large population cohorts (gnomAD); This variant is associated with the following publications: (PMID: 25525159, 12930313, 25839887, 39843441)

3billion
Classification: Pathogenic for Palmoplantar keratoderma i, striate, focal, or diffuse. Last evaluated: 2022-01-03. Review status: criteria provided, single submitter. Criteria: ACMG Guidelines, 2015. Collection method: clinical testing. Allele origin: germline. Affected: yes. Observed: 1 heterozygote.
Comment: The variant has been reported to be associated with DSG1 related disorder (PMID:12930313).Stop-gained (nonsense): predicted to result in a loss or disruption of normal protein function through nonsense-mediated decay (NMD) or protein truncation. Multiple pathogenic variants are reported downstream of the variant (PVS1_VS). It is not observed in the gnomAD v2.1.1 dataset (PM2_M). Therefore, this variant is classified as pathogenic according to the recommendation of ACMG/AMP guideline.

Literature cited by the submitters: PubMed 12930313 (cited by 3billion).

NM_001942.4(DSG1):c.395C>A (p.Ser132Ter)

Gene: DSG1 (desmoglein 1; plus strand). Cytogenetic location: 18q12.1.
Variant type: single nucleotide variant.
Coding change: c.395C>A on transcript NM_001942.4 (MANE Select); coding-DNA position 395, C replaced by A.
Protein change: p.Ser132Ter; replaces serine 132 with a stop codon.
Molecular consequence: nonsense.
Genome position (GRCh38, 1-based): chr18:31,329,914, C>A. VCF-style: chr18-31329914-C-A. GRCh37 (hg19) VCF-style: chr18-28909877-C-A.
Other names: c.395C>A (NM_001942.2); short protein forms S132*.
Identifiers: ClinVar variation 1333636 (VCV001333636.2), dbSNP rs2144091452, ClinGen allele CA402128498.